The following is an entry in ClinVar:

ClinVar aggregate classification (germline): Conflicting classifications of pathogenicity. Review status: criteria provided, conflicting classifications (1 of 4 stars). 3 submissions from 3 submitters: Likely pathogenic (1); Uncertain significance (1); Likely benign (1). Last evaluated 2025-01-23.

Conditions:
Combined immunodeficiency due to ORAI1 deficiency. Also called: IMMUNODEFICIENCY 9. Identifiers: Orphanet 169090, Orphanet 317428, MedGen C2748568, MONDO:0013007, OMIM 612782.
Myopathy, tubular aggregate, 2 (TAM2). Identifiers: MedGen C4014557, MONDO:0014383, OMIM 615883.

Submissions (3):

Dasa
Classification: Uncertain significance. Last evaluated: 2025-01-23. Review status: criteria provided, single submitter. Criteria: DASA Assertion Criteria. Collection method: clinical testing. Allele origin: germline.
Comment: NM_032790.3(ORAI1):c.132_135delinsACCGCCGCCGT (p.Thr51Argfs*39) is a frameshift variant in ORAI1 predicted to alter the reading frame and introduce a premature termination codon. This variant is absent from population databases. The currently available literature and clinical evidence are not sufficient to establish a definitive association between this variant and the reported condition. Therefore, this variant is classified as a variant of uncertain significance.

Labcorp Genetics (formerly Invitae), Labcorp
Classification: Likely benign for Myopathy, tubular aggregate, 2; Combined immunodeficiency due to ORAI1 deficiency. Last evaluated: 2024-02-24. Review status: criteria provided, single submitter. Criteria: Invitae Variant Classification Sherloc (09022015). Collection method: clinical testing. Allele origin: germline.

GeneDx
Classification: Likely pathogenic. Last evaluated: 2021-05-07. Review status: criteria provided, single submitter. Criteria: GeneDx Variant Classification Process June 2021. Collection method: clinical testing. Allele origin: germline. Affected: yes.
Comment: Frameshift variant predicted to result in protein truncation, as the last 251 amino acids are replaced with 38 different amino acids, and other loss-of-function variants have been reported downstream in the Human Gene Mutation Database (Stenson et al., 2014); Not observed in large population cohorts (Lek et al., 2016); Has not been previously published as pathogenic or benign to our knowledge

NM_032790.4(ORAI1):c.137_143CGCCGTC[3] (p.Thr51Argfs)

Genes: ORAI1 (ORAI calcium release-activated calcium modulator 1; plus strand), LOC130008987 (ATAC-STARR-seq lymphoblastoid silent region 4981; plus strand). Cytogenetic location: 12q24.31.
Variant type: Microsatellite.
Coding change: c.137_143CGCCGTC[3] on transcript NM_032790.4 (MANE Select).
Protein change: p.Thr51Argfs; shifts the reading frame from threonine 51.
Genome position: GRCh38 VCF-style: chr12-121626882-G-GCCGCCGT. GRCh37 (hg19) VCF-style: chr12-122064788-G-GCCGCCGT.
Other names: c.132_135delinsACCGCCGCCGT (NM_032790.3); short protein forms T51fs.
Identifiers: ClinVar variation 475180 (VCV000475180.8), dbSNP rs1555322554, ClinGen allele CA658658173.